The following is an entry in ClinVar:

NM_001035.3(RYR2):c.7189G>T (p.Asp2397Tyr)

Gene: RYR2 (ryanodine receptor 2; plus strand). Cytogenetic location: 1q43.
Variant type: single nucleotide variant.
Coding change: c.7189G>T on transcript NM_001035.3 (MANE Select); coding-DNA position 7189, G replaced by T.
Protein change: p.Asp2397Tyr; replaces aspartic acid 2397 with tyrosine.
Molecular consequence: missense variant.
Genome position (GRCh38, 1-based): chr1:237,640,970, G>T. VCF-style: chr1-237640970-G-T. GRCh37 (hg19) VCF-style: chr1-237804270-G-T.
Other names: p.D2397Y:GAC>TAC; c.7189G>T, p.Asp2397Tyr (LRG_402t1); short protein forms D2397Y.
Identifiers: ClinVar variation 201278 (VCV000201278.2), dbSNP rs794728755, ClinGen allele CA010599.

ClinVar aggregate classification (germline): Pathogenic (1 of 4 stars; one submission).

Submission:

GeneDx
Classification: Pathogenic. Last evaluated: 2012-04-30. Review status: criteria provided, single submitter. Criteria: GeneDx Variant Classification (06012015). Collection method: clinical testing. Allele origin: germline. Affected: yes.
Comment: p.Asp2397Tyr (GAC>TAC): c.7189 G>T in exon 47 of the RYR2 gene (NM_001035.2). The Asp2397Tyr mutation in the RYR2 gene has not been reported previously as a disease-causing mutation, nor as a benign polymorphism, to our knowledge. Asp2397Tyr results in a non-conservative amino acid substitution of a negatively charged Aspartic acid with a neutral, polar Tyrosine at a residue that is highly conserved across species. In silico analysis predicts Asp2397Tyr is probably damaging to the protein structure/function. Located in the central domain RYR2 mutation hot spot, mutations in nearby codons (Ala2394Gly, Arg2401His, Arg2401Leu) have been reported in association with CPVT, supporting the functional importance of this region of the protein (Medeiros-Domingo A et al., 2009). In addition, the NHLBI ESP Exome Variant Server reports Asp2397Tyr was not observed in approximately 5,000 samples from individuals of European and African American backgrounds, indicating it is not a common benign variant in these populations. In summary, Asp2397Tyr in the RYR2 gene is interpreted to be a likely disease-causing mutation. The variant is found in CPVT panel(s).